The following is an entry in ClinVar:

NM_001127649.3(PEX26):c.77G>A (p.Arg26His)

Gene: PEX26 (peroxisomal biogenesis factor 26; plus strand). Cytogenetic location: 22q11.21.
Variant type: single nucleotide variant.
Coding change: c.77G>A on transcript NM_001127649.3 (MANE Select); coding-DNA position 77, G replaced by A.
Protein change: p.Arg26His; replaces arginine 26 with histidine.
Molecular consequence: missense variant.
Genome position (GRCh38, 1-based): chr22:18,078,453, G>A. VCF-style: chr22-18078453-G-A. GRCh37 (hg19) VCF-style: chr22-18561219-G-A.
Other names: c.77G>A, p.Arg26His (NM_001199319.2, NM_017929.6); c.77G>A (NM_017929.5); short protein forms R26H.
Identifiers: ClinVar variation 1448707 (VCV001448707.4), dbSNP rs770555305, ClinGen allele CA10093216.

ClinVar aggregate classification (germline): Uncertain significance. Review status: criteria provided, multiple submitters, no conflicts (2 of 4 stars). 2 submissions from 2 submitters: Uncertain significance (2). Last evaluated 2024-07-14.

Conditions:
Inborn genetic diseases. Identifiers: MedGen C0950123, MeSH D030342.
Peroxisome biogenesis disorder 7A (Zellweger). Also called: Peroxisome biogenesis disorder 7A. Identifiers: Orphanet 912, MedGen C3888385, MONDO:0013938, OMIM 614872.
Peroxisome biogenesis disorder 7B (PBD7B). Identifiers: Orphanet 44, MedGen C3553951, MONDO:0013939, OMIM 614873.

Allele frequency attached by ClinVar (database versions not stated): 1000 Genomes Project 30x 0.00031; ExAC 0.00008.
gnomAD v4.1: 31 of 1,577,770 alleles (0.002%); highest among the groups gnomAD compares: African/African-American, 0.039%; no homozygotes.

Submissions (2):

Ambry Genetics
Classification: Uncertain significance for Inborn genetic diseases. Last evaluated: 2024-07-14. Review status: criteria provided, single submitter. Criteria: Ambry Variant Classification Scheme 2023. Collection method: clinical testing. Allele origin: germline.

Labcorp Genetics (formerly Invitae), Labcorp
Classification: Uncertain significance for Peroxisome biogenesis disorder 7A (Zellweger); Peroxisome biogenesis disorder 7B. Last evaluated: 2022-07-18. Review status: criteria provided, single submitter. Criteria: Invitae Variant Classification Sherloc (09022015). Collection method: clinical testing. Allele origin: germline.
Comment: This sequence change replaces arginine, which is basic and polar, with histidine, which is basic and polar, at codon 26 of the PEX26 protein (p.Arg26His). This variant is present in population databases (rs770555305, gnomAD 0.03%). This variant has not been reported in the literature in individuals affected with PEX26-related conditions. ClinVar contains an entry for this variant (Variation ID: 1448707). Algorithms developed to predict the effect of missense changes on protein structure and function (SIFT, PolyPhen-2, Align-GVGD) all suggest that this variant is likely to be tolerated. In summary, the available evidence is currently insufficient to determine the role of this variant in disease. Therefore, it has been classified as a Variant of Uncertain Significance.